The following is an entry in ClinVar:

ClinVar aggregate classification (germline): Benign/Likely benign. Review status: criteria provided, multiple submitters, no conflicts (2 of 4 stars). 10 submissions from 8 submitters: Benign (5); Likely benign (3). 2 of the submissions do not count toward it. Last evaluated 2026-10-01.

Conditions:
Pyruvate dehydrogenase complex deficiency (PDHC). Also called: Pyruvate Dehydrogenase Complex Deficiency Disease; PDH DEFICIENCY; PYRUVATE DECARBOXYLASE DEFICIENCY; Pyruvate dehydrogenase deficiency; Ataxia with lactic acidosis 1. Identifiers: Orphanet 765, Orphanet 79243, MedGen C0034345, MONDO:0019169.
Leigh syndrome (NULS). Also called: Leigh Syndrome (mtDNA deletion); Leigh's syndrome; Leigh's necrotizing encephalopathy; Leigh's disease; Leigh Disease; Subacute necrotizing encephalopathy. Identifiers: Orphanet 506, MedGen C2931891, MONDO:0009723, OMIM 256000.
Pyruvate dehydrogenase E3 deficiency (DLDD). Also called: Lipoamide dehydrogenase deficiency, lactic acidosis due to; Dihydrolipoamide Dehydrogenase Deficiency; Lipoamide dehydrogenase deficiency; MAPLE SYRUP URINE DISEASE, TYPE III; Dihydrolipoamide Dehydrogenase (E3) Deficiency; DLD DEFICIENCY. Identifiers: Orphanet 2394, Orphanet 765, MedGen C5574660, MONDO:0009529, OMIM 246900.

Allele frequency attached by ClinVar (database versions not stated): 1000 Genomes Project 30x 0.00468; 1000 Genomes Project 0.00479; TOPMed 0.00787; ExAC 0.00880; gnomAD 0.00881 and 0.00918; ESP Exome Variant Server 0.00946.
gnomAD v4.1: 18,175 of 1,613,950 alleles (1.1%); highest among the groups gnomAD compares: Non-Finnish European, 1.3%; 119 homozygotes.

Submissions (10):

CeGaT Center for Human Genetics Tuebingen
Classification: Benign. Last evaluated: 2026-10-01. Review status: criteria provided, single submitter. Criteria: CeGaT Center For Human Genetics Tuebingen Variant Classification Criteria Version 2. Collection method: clinical testing. Allele origin: germline. Affected: yes. Observed: 36 variant alleles.
Comment: DLD: BP4, BP7, BS1, BS2

Labcorp Genetics (formerly Invitae), Labcorp
Classification: Benign for Pyruvate dehydrogenase E3 deficiency. Last evaluated: 2026-02-04. Review status: criteria provided, single submitter. Criteria: Invitae Variant Classification Sherloc (09022015). Collection method: clinical testing. Allele origin: germline.

ARUP Laboratories, Molecular Genetics and Genomics, ARUP Laboratories
Classification: Benign for Pyruvate dehydrogenase E3 deficiency. Last evaluated: 2023-09-08. Review status: criteria provided, single submitter. Criteria: ARUP Molecular Germline Variant Investigation Process 2024. Collection method: clinical testing. Allele origin: germline.

Illumina Laboratory Services, Illumina
Classification: Likely benign for Pyruvate dehydrogenase complex deficiency. Last evaluated: 2018-01-13. Review status: criteria provided, single submitter. Criteria: ICSL Variant Classification Criteria 13 December 2019. Collection method: clinical testing. Allele origin: germline.
Comment: This variant was observed in the ICSL laboratory as part of a predisposition screen in an ostensibly healthy population. It had not been previously curated by ICSL or reported in the Human Gene Mutation Database (HGMD: prior to June 1st, 2018), and was therefore a candidate for classification through an automated scoring system. Utilizing variant allele frequency, disease prevalence and penetrance estimates, and inheritance mode, an automated score was calculated to assess if this variant is too frequent to cause the disease. Based on the score and internal cut-off values, a variant classified as likely benign is not then subjected to further curation. The score for this variant resulted in a classification of likely benign for this disease.

Illumina Laboratory Services, Illumina
Classification: Benign for Pyruvate dehydrogenase E3 deficiency. Last evaluated: 2018-01-13. Review status: criteria provided, single submitter. Criteria: ICSL Variant Classification Criteria 13 December 2019. Collection method: clinical testing. Allele origin: germline.
Comment: This variant was observed in the ICSL laboratory as part of a predisposition screen in an ostensibly healthy population. It had not been previously curated by ICSL or reported in the Human Gene Mutation Database (HGMD: prior to June 1st, 2018), and was therefore a candidate for classification through an automated scoring system. Utilizing variant allele frequency, disease prevalence and penetrance estimates, and inheritance mode, an automated score was calculated to assess if this variant is too frequent to cause the disease. Based on the score and internal cut-off values, a variant classified as benign is not then subjected to further curation. The score for this variant resulted in a classification of benign for this disease.

Illumina Laboratory Services, Illumina
Classification: Likely benign for Leigh syndrome. Last evaluated: 2018-01-13. Review status: criteria provided, single submitter. Criteria: ICSL Variant Classification Criteria 13 December 2019. Collection method: clinical testing. Allele origin: germline.
Comment: the same text as in the submission from Illumina Laboratory Services, Illumina above.

GeneDx
Classification: Benign. Last evaluated: 2011-12-02. Review status: criteria provided, single submitter. Criteria: GeneDx Variant Classification (06012015). Collection method: clinical testing. Allele origin: germline. Affected: yes.
Comment: This variant is considered likely benign or benign based on one or more of the following criteria: it is a conservative change, it occurs at a poorly conserved position in the protein, it is predicted to be benign by multiple in silico algorithms, and/or has population frequency not consistent with disease.

Breakthrough Genomics
Classification: Likely benign. Review status: criteria provided, single submitter. Criteria: ACMG Guidelines, 2015. Collection method: not provided. Allele origin: germline. Inheritance: Autosomal recessive inheritance. Affected: yes.

Natera, Inc.
Classification: Benign for Maple syrup urine disease type 3. Last evaluated: 2020-09-16. Review status: no assertion criteria provided. Collection method: clinical testing. Allele origin: germline. Not counted in ClinVar's aggregate classification.

Mayo Clinic Laboratories, Mayo Clinic
Classification: Benign. Last evaluated: 2017-12-06. Review status: no assertion criteria provided. Collection method: clinical testing. Allele origin: unknown. Not counted in ClinVar's aggregate classification.

NM_000108.5(DLD):c.1422A>C (p.Gly474=)

Gene: DLD (dihydrolipoamide dehydrogenase; plus strand). Cytogenetic location: 7q31.1.
Variant type: single nucleotide variant.
Coding change: c.1422A>C on transcript NM_000108.5 (MANE Select); coding-DNA position 1422, A replaced by C.
Protein change: p.Gly474=; no amino-acid change (glycine 474 retained).
Molecular consequence: synonymous variant.
Genome position (GRCh38, 1-based): chr7:107,919,057, A>C. VCF-style: chr7-107919057-A-C. GRCh37 (hg19) VCF-style: chr7-107559502-A-C.
Other names: p.G474G:GGA>GGC; c.1125A>C, p.Gly375= (NM_001289750.1); c.1353A>C, p.Gly451= (NM_001289751.1); c.1278A>C, p.Gly426= (NM_001289752.1).
Identifiers: ClinVar variation 137101 (VCV000137101.58), dbSNP rs34453495, ClinGen allele CA290613.